The following is an entry in ClinVar:

ClinVar aggregate classification (germline): Uncertain significance. Review status: criteria provided, multiple submitters, no conflicts (2 of 4 stars). 2 submissions from 2 submitters: Uncertain significance (2). Last evaluated 2022-06-08.

Conditions:
Ataxia-telangiectasia syndrome (AT). Also called: ATAXIA-TELANGIECTASIA, FRESNO VARIANT; Ataxia-telangiectasia, complementation group D; Cerebello-oculocutaneous telangiectasia; Immunodeficiency with ataxia telangiectasia; Ataxia-telangiectasia; Ataxia telangiectasia (A-T). Identifiers: Orphanet 100, MedGen C0004135, MONDO:0008840, OMIM 208900.
Hereditary cancer-predisposing syndrome. Also called: Neoplastic Syndromes, Hereditary; Hereditary neoplastic syndrome; Hereditary Cancer Syndrome; Tumor predisposition. Identifiers: Orphanet 140162, MedGen C0027672, MeSH D009386, MONDO:0015356.

Allele frequency attached by ClinVar (database versions not stated): gnomAD exomes below 0.00001.
gnomAD v4.1: 1 of 1,613,724 alleles (0.000062%); highest among the groups gnomAD compares: Non-Finnish European, 0.000085%; no homozygotes.

Submissions (2):

Ambry Genetics
Classification: Uncertain significance for Hereditary cancer-predisposing syndrome. Last evaluated: 2022-06-08. Review status: criteria provided, single submitter. Criteria: Ambry Variant Classification Scheme 2023. Collection method: clinical testing. Allele origin: germline.
Comment: The p.G1456D variant (also known as c.4367G>A), located in coding exon 28 of the ATM gene, results from a G to A substitution at nucleotide position 4367. The glycine at codon 1456 is replaced by aspartic acid, an amino acid with similar properties. This amino acid position is well conserved in available vertebrate species. In addition, the in silico prediction for this alteration is inconclusive. Since supporting evidence is limited at this time, the clinical significance of this alteration remains unclear.

Labcorp Genetics (formerly Invitae), Labcorp
Classification: Uncertain significance for Ataxia-telangiectasia syndrome. Last evaluated: 2021-08-26. Review status: criteria provided, single submitter. Criteria: Invitae Variant Classification Sherloc (09022015). Collection method: clinical testing. Allele origin: germline.
Comment: This sequence change replaces glycine with aspartic acid at codon 1456 of the ATM protein (p.Gly1456Asp). The glycine residue is moderately conserved and there is a moderate physicochemical difference between glycine and aspartic acid. This variant is not present in population databases (ExAC no frequency). This variant has not been reported in the literature in individuals affected with ATM-related conditions. Algorithms developed to predict the effect of missense changes on protein structure and function (SIFT, PolyPhen-2, Align-GVGD) all suggest that this variant is likely to be tolerated. In summary, the available evidence is currently insufficient to determine the role of this variant in disease. Therefore, it has been classified as a Variant of Uncertain Significance.

NM_000051.4(ATM):c.4367G>A (p.Gly1456Asp)

Gene: ATM (ATM serine/threonine kinase; plus strand). Cytogenetic location: 11q22.3.
Variant type: single nucleotide variant.
Coding change: c.4367G>A on transcript NM_000051.4 (MANE Select); coding-DNA position 4367, G replaced by A.
Protein change: p.Gly1456Asp; replaces glycine 1456 with aspartic acid.
Molecular consequence: missense variant.
Genome position (GRCh38, 1-based): chr11:108,289,732, G>A. VCF-style: chr11-108289732-G-A. GRCh37 (hg19) VCF-style: chr11-108160459-G-A.
Other names: c.4367G>A, p.Gly1456Asp (NM_001351834.2); short protein forms G1456D.
Identifiers: ClinVar variation 656868 (VCV000656868.8), dbSNP rs894398811, ClinGen allele CA382532075.
Genomic context (GRCh38, chr11:108,289,732, plus strand): 5'-ACAGAATTCTTAAAATATATCACCTGTTTGTTAGTTTATTACTGAAAGATATAAAAAGTG[G>A]CTTAGGAGGAGCTTGGGCCTTTGTTCTTCGAGACGTTATTTATACTTTGATTCACTATAT-3'
Protein context (NP_000042.3, residues 1446-1466): VSLLLKDIKS[Gly1456Asp]LGGAWAFVLR